The following is an entry in ClinVar:

NM_002907.4(RECQL):c.582T>G (p.Ile194Met)

Gene: RECQL (RecQ like helicase; minus strand). Cytogenetic location: 12p12.1.
Variant type: single nucleotide variant.
Coding change: c.582T>G on transcript NM_002907.4 (MANE Select); coding-DNA position 582, T replaced by G.
Protein change: p.Ile194Met; replaces isoleucine 194 with methionine.
Molecular consequence: missense variant.
Genome position (GRCh38, 1-based): chr12:21,483,494, A>C on the plus strand (T>G on the coding strand, the complement: RECQL is on the minus strand). VCF-style: chr12-21483494-A-C. GRCh37 (hg19) VCF-style: chr12-21636428-A-C.
Other names: c.582T>G, p.Ile194Met (NM_032941.3); short protein forms I194M.
Identifiers: ClinVar variation 1749970 (VCV001749970.7), dbSNP rs2540375392, ClinGen allele CA384127413.

ClinVar aggregate classification (germline): Uncertain significance. Review status: criteria provided, multiple submitters, no conflicts (2 of 4 stars). 2 submissions from 2 submitters: Uncertain significance (2). Last evaluated 2025-11-18.

Submissions (2):

Ambry Genetics
Classification: Uncertain significance. Last evaluated: 2025-11-18. Review status: criteria provided, single submitter. Criteria: Ambry Variant Classification Scheme 2023. Collection method: clinical testing. Allele origin: germline.
Comment: The p.I194M variant (also known as c.582T>G), located in coding exon 5 of the RECQL gene, results from a T to G substitution at nucleotide position 582. The isoleucine at codon 194 is replaced by methionine, an amino acid with highly similar properties. This amino acid position is highly conserved in available vertebrate species. In addition, the in silico prediction for this alteration is inconclusive. Since supporting evidence is limited at this time, the clinical significance of this alteration remains unclear.

Labcorp Genetics (formerly Invitae), Labcorp
Classification: Uncertain significance. Last evaluated: 2024-10-21. Review status: criteria provided, single submitter. Criteria: Invitae Variant Classification Sherloc (09022015). Collection method: clinical testing. Allele origin: germline.
Comment: This sequence change replaces isoleucine, which is neutral and non-polar, with methionine, which is neutral and non-polar, at codon 194 of the RECQL protein (p.Ile194Met). This variant is not present in population databases (gnomAD no frequency). This variant has not been reported in the literature in individuals affected with RECQL-related conditions. ClinVar contains an entry for this variant (Variation ID: 1749970). Invitae Evidence Modeling of protein sequence and biophysical properties (such as structural, functional, and spatial information, amino acid conservation, physicochemical variation, residue mobility, and thermodynamic stability) indicates that this missense variant is not expected to disrupt RECQL protein function with a negative predictive value of 80%. In summary, the available evidence is currently insufficient to determine the role of this variant in disease. Therefore, it has been classified as a Variant of Uncertain Significance.